The following is an entry in ClinVar:

NM_000719.7(CACNA1C):c.6297C>T (p.Asn2099=)

Genes: CACNA1C (calcium voltage-gated channel subunit alpha1 C; plus strand), CACNA1C-AS1 (CACNA1C antisense RNA 1; minus strand). Cytogenetic location: 12p13.33.
Variant type: single nucleotide variant.
Coding change: c.6297C>T on transcript NM_000719.7 (MANE Select); coding-DNA position 6297, C replaced by T.
Protein change: p.Asn2099=; no amino-acid change (asparagine 2099 retained).
Molecular consequence: synonymous variant. On other transcripts: non-coding transcript variant (1).
Genome position (GRCh38, 1-based): chr12:2,691,079, C>T. VCF-style: chr12-2691079-C-T. GRCh37 (hg19) VCF-style: chr12-2800245-C-T.
Other names: c.6441C>T, p.Asn2147= (NM_001129827.2); c.6420C>T, p.Asn2140= (NM_001129829.2); c.6402C>T, p.Asn2134= (NM_001129830.3, NM_001167624.3); c.6381C>T, p.Asn2127= (NM_001129831.2); c.6357C>T, p.Asn2119= (NM_001129832.2); c.6354C>T, p.Asn2118= (NM_001129833.2, NM_001129834.2, NM_001129835.2); c.6348C>T, p.Asn2116= (NM_001129836.2); c.6321C>T, p.Asn2107= (NM_001129837.2, NM_001129838.2); and 6 more.
Identifiers: ClinVar variation 3826596 (VCV003826596.2).

ClinVar aggregate classification (germline): Conflicting classifications of pathogenicity. Review status: criteria provided, conflicting classifications (1 of 4 stars). 2 submissions from 2 submitters: Uncertain significance (1); Likely benign (1). Last evaluated 2025-04-23.

Conditions:
Long QT syndrome (LQTS). Identifiers: MedGen C0023976, MeSH D008133, MONDO:0002442. Disease mechanism: loss of function. Inheritance: Various modes of inheritance.
Cardiovascular phenotype. Identifiers: MedGen CN230736.

gnomAD v4.1: 2 of 1,611,786 alleles (0.00012%); highest among the groups gnomAD compares: South Asian, 0.0011%; no homozygotes.

Submissions (2):

Labcorp Genetics (formerly Invitae), Labcorp
Classification: Likely benign for Long QT syndrome. Last evaluated: 2025-04-23. Review status: criteria provided, single submitter. Criteria: Invitae Variant Classification Sherloc (09022015). Collection method: clinical testing. Allele origin: germline.

Ambry Genetics
Classification: Uncertain significance for Cardiovascular phenotype. Last evaluated: 2024-12-18. Review status: criteria provided, single submitter. Criteria: Ambry Variant Classification Scheme 2023. Collection method: clinical testing. Allele origin: germline.
Comment: The c.6297C>T variant (also known as p.N2099N), located in coding exon 47 of the CACNA1C gene, results from a C to T substitution at nucleotide position 6297. This nucleotide substitution does not change the amino acid at codon 2099. This nucleotide position is well conserved in available vertebrate species. In silico splice site analysis for this alteration is inconclusive. Based on the available evidence, the clinical significance of this variant remains unclear.